The following is an entry in ClinVar:

NM_001379081.2(FREM1):c.4442+3G>A

Gene: FREM1 (FRAS1 related extracellular matrix 1; minus strand). Cytogenetic location: 9p22.3.
Variant type: single nucleotide variant.
Coding change: c.4442+3G>A on transcript NM_001379081.2 (MANE Select); 3 bases into the intron after coding-DNA position 4442, G replaced by A.
Molecular consequence: intron variant.
Genome position (GRCh38, 1-based): chr9:14,784,367, C>T on the plus strand (G>A on the coding strand, the complement: FREM1 is on the minus strand). VCF-style: chr9-14784367-C-T. GRCh37 (hg19) VCF-style: chr9-14784365-C-T.
Other names: c.4442+3G>A (NM_144966.7).
Identifiers: ClinVar variation 728872 (VCV000728872.16), dbSNP rs181859461, ClinGen allele CA4990188.
Genomic context (GRCh38, chr9:14,784,367, plus strand): 5'-AGATCTCCTTTTCTGTAAGTATTAATCCAAAGAAGGGGTTTGAAAAGTTTCCATGGGGCT[C>T]ACCTGAATCTGTCACTGGAGACAGTCACCTTGCTCTTGTGTACATAGCAAACTGTCTGCC-3'

ClinVar aggregate classification (germline): Conflicting classifications of pathogenicity. Review status: criteria provided, conflicting classifications (1 of 4 stars). 4 submissions from 4 submitters: Uncertain significance (1); Likely benign (2). 1 of the submissions does not count toward it. Last evaluated 2025-08-24.

Conditions:
Oculotrichoanal syndrome (MOTA). Also called: Manitoba Oculotrichoanal (MOTA) Syndrome; MARLES SYNDROME. Identifiers: Orphanet 2717, MedGen C1855425, MONDO:0009560, OMIM 248450.
FREM1-related disorder. Also called: FREM1-related condition; FREM1-Related Disorders.

Allele frequency attached by ClinVar (database versions not stated): gnomAD exomes 0.00009 and 0.00025; ExAC 0.00033; TOPMed 0.00105; gnomAD 0.00111 and 0.00119; 1000 Genomes Project 30x 0.00125; 1000 Genomes Project 0.00140; ESP Exome Variant Server 0.00159.
gnomAD v4.1: 305 of 1,611,926 alleles (0.019%); highest among the groups gnomAD compares: African/African-American, 0.37%; no homozygotes.

Submissions (4):

Labcorp Genetics (formerly Invitae), Labcorp
Classification: Likely benign. Last evaluated: 2025-08-24. Review status: criteria provided, single submitter. Criteria: Invitae Variant Classification Sherloc (09022015). Collection method: clinical testing. Allele origin: germline.

Baylor Genetics
Classification: Uncertain significance for Oculotrichoanal syndrome. Last evaluated: 2018-05-01. Review status: criteria provided, single submitter. Criteria: ACMG Guidelines, 2015. Collection method: clinical testing. Allele origin: unknown. Affected: yes.
Comment: This variant was determined to be of uncertain significance according to ACMG Guidelines, 2015 [PMID:25741868].

Illumina Laboratory Services, Illumina
Classification: Likely benign for Oculotrichoanal syndrome. Last evaluated: 2018-01-13. Review status: criteria provided, single submitter. Criteria: ICSL Variant Classification Criteria 13 December 2019. Collection method: clinical testing. Allele origin: germline.
Comment: This variant was observed in the ICSL laboratory as part of a predisposition screen in an ostensibly healthy population. It had not been previously curated by ICSL or reported in the Human Gene Mutation Database (HGMD: prior to June 1st, 2018), and was therefore a candidate for classification through an automated scoring system. Utilizing variant allele frequency, disease prevalence and penetrance estimates, and inheritance mode, an automated score was calculated to assess if this variant is too frequent to cause the disease. Based on the score and internal cut-off values, a variant classified as likely benign is not then subjected to further curation. The score for this variant resulted in a classification of likely benign for this disease.

PreventionGenetics, part of Exact Sciences
Classification: Likely benign for FREM1-related condition. Last evaluated: 2021-08-19. Review status: no assertion criteria provided. Collection method: clinical testing. Allele origin: germline. Not counted in ClinVar's aggregate classification.
Comment: This variant is classified as likely benign based on ACMG/AMP sequence variant interpretation guidelines (Richards et al. 2015 PMID: 25741868, with internal and published modifications).